The following is an entry in ClinVar:

ClinVar aggregate classification (germline): Uncertain significance (1 of 4 stars; one submission).

Conditions:
Deficiency of malonyl-CoA decarboxylase. Also called: Malonic aciduria; MCD deficiency. Identifiers: Orphanet 943, MedGen C0342793, MONDO:0009556, OMIM 248360.

Allele frequency attached by ClinVar (database versions not stated): 1000 Genomes Project 0.00040; 1000 Genomes Project 30x 0.00047.
gnomAD v4.1: 33 of 1,614,226 alleles (0.002%); highest among the groups gnomAD compares: South Asian, 0.018%; 1 homozygote.

Submission:

Labcorp Genetics (formerly Invitae), Labcorp
Classification: Uncertain significance for Deficiency of malonyl-CoA decarboxylase. Last evaluated: 2022-05-31. Review status: criteria provided, single submitter. Criteria: Invitae Variant Classification Sherloc (09022015). Collection method: clinical testing. Allele origin: germline.
Comment: This sequence change replaces serine, which is neutral and polar, with tryptophan, which is neutral and slightly polar, at codon 358 of the MLYCD protein (p.Ser358Trp). This variant is present in population databases (rs200573073, gnomAD 0.02%). This variant has not been reported in the literature in individuals affected with MLYCD-related conditions. ClinVar contains an entry for this variant (Variation ID: 848473). Algorithms developed to predict the effect of missense changes on protein structure and function (SIFT, PolyPhen-2, Align-GVGD) all suggest that this variant is likely to be tolerated. In summary, the available evidence is currently insufficient to determine the role of this variant in disease. Therefore, it has been classified as a Variant of Uncertain Significance.

NM_012213.3(MLYCD):c.1073C>G (p.Ser358Trp)

Gene: MLYCD (malonyl-CoA decarboxylase; plus strand). Cytogenetic location: 16q23.3.
Variant type: single nucleotide variant.
Coding change: c.1073C>G on transcript NM_012213.3 (MANE Select); coding-DNA position 1073, C replaced by G.
Protein change: p.Ser358Trp; replaces serine 358 with tryptophan.
Molecular consequence: missense variant.
Genome position (GRCh38, 1-based): chr16:83,915,080, C>G. VCF-style: chr16-83915080-C-G. GRCh37 (hg19) VCF-style: chr16-83948685-C-G.
Other names: short protein forms S358W.
Identifiers: ClinVar variation 848473 (VCV000848473.7), dbSNP rs200573073, ClinGen allele CA8197496.